The following is an entry in ClinVar:

ClinVar aggregate classification (germline): Uncertain significance (1 of 4 stars; one submission).

Conditions:
Combined immunodeficiency due to LRBA deficiency. Also called: Common variable immunodeficiency 8, with autoimmunity. Identifiers: Orphanet 445018, MedGen C3553512, MONDO:0013863, OMIM 614700.

Submission:

Labcorp Genetics (formerly Invitae), Labcorp
Classification: Uncertain significance for Combined immunodeficiency due to LRBA deficiency. Last evaluated: 2021-09-10. Review status: criteria provided, single submitter. Criteria: Invitae Variant Classification Sherloc (09022015). Collection method: clinical testing. Allele origin: germline.
Comment: This sequence change replaces serine with arginine at codon 2844 of the LRBA protein (p.Ser2844Arg). The serine residue is moderately conserved and there is a moderate physicochemical difference between serine and arginine. This variant is not present in population databases (ExAC no frequency). This variant has not been reported in the literature in individuals affected with LRBA-related conditions. Algorithms developed to predict the effect of missense changes on protein structure and function are either unavailable or do not agree on the potential impact of this missense change (SIFT: "Tolerated"; PolyPhen-2: "Probably Damaging"; Align-GVGD: "Class C0"). In summary, the available evidence is currently insufficient to determine the role of this variant in disease. Therefore, it has been classified as a Variant of Uncertain Significance.

NM_001364905.1(LRBA):c.8499C>A (p.Ser2833Arg)

Gene: LRBA (LPS responsive beige-like anchor protein; minus strand). Cytogenetic location: 4q31.3.
Variant type: single nucleotide variant.
Coding change: c.8499C>A on transcript NM_001364905.1 (MANE Select); coding-DNA position 8499, C replaced by A.
Protein change: p.Ser2833Arg; replaces serine 2833 with arginine.
Molecular consequence: missense variant.
Genome position (GRCh38, 1-based): chr4:150,265,782, G>T on the plus strand (C>A on the coding strand, the complement: LRBA is on the minus strand). VCF-style: chr4-150265782-G-T. GRCh37 (hg19) VCF-style: chr4-151186934-G-T.
Other names: c.8496C>A, p.Ser2832Arg (NM_001199282.3); c.8514C>A, p.Ser2838Arg (NM_001367550.1); c.8532C>A, p.Ser2844Arg (NM_006726.5); short protein forms S2838R, S2832R, S2844R, S2833R.
Identifiers: ClinVar variation 1380601 (VCV001380601.3), dbSNP rs2126679981, ClinGen allele CA358436804.